The following is an entry in ClinVar:

NM_004977.3(KCNC3):c.1945G>T (p.Ala649Ser)

Gene: KCNC3 (potassium voltage-gated channel subfamily C member 3; minus strand). Cytogenetic location: 19q13.33.
Variant type: single nucleotide variant.
Coding change: c.1945G>T on transcript NM_004977.3 (MANE Select); coding-DNA position 1945, G replaced by T.
Protein change: p.Ala649Ser; replaces alanine 649 with serine.
Molecular consequence: missense variant.
Genome position (GRCh38, 1-based): chr19:50,323,008, C>A on the plus strand (G>T on the coding strand, the complement: KCNC3 is on the minus strand). VCF-style: chr19-50323008-C-A. GRCh37 (hg19) VCF-style: chr19-50826265-C-A.
Other names: c.1717G>T, p.Ala573Ser (NM_001372305.1); short protein forms A573S, A649S.
Identifiers: ClinVar variation 3571873 (VCV003571873.1).

ClinVar aggregate classification (germline): Uncertain significance (1 of 4 stars; one submission).

Submission:

Athena Diagnostics
Classification: Uncertain significance. Last evaluated: 2024-11-19. Review status: criteria provided, single submitter. Criteria: Athena Diagnostics Criteria. Collection method: clinical testing. Allele origin: unknown.
Comment: Available data are insufficient to determine the clinical significance of the variant at this time. The frequency of this variant in the general population is uninformative in assessment of its pathogenicity. Polyphen and MutationTaster yielded discordant predictions regarding whether this amino acid change is damaging to the protein.